The following is an entry in ClinVar:

NM_000436.4(OXCT1):c.661G>A (p.Val221Met)

Gene: OXCT1 (3-oxoacid CoA-transferase 1; minus strand). Cytogenetic location: 5p13.1.
Variant type: single nucleotide variant.
Coding change: c.661G>A on transcript NM_000436.4 (MANE Select); coding-DNA position 661, G replaced by A.
Protein change: p.Val221Met; replaces valine 221 with methionine.
Molecular consequence: missense variant. On other transcripts: non-coding transcript variant (1).
Genome position (GRCh38, 1-based): chr5:41,842,685, C>T on the plus strand (G>A on the coding strand, the complement: OXCT1 is on the minus strand). VCF-style: chr5-41842685-C-T. GRCh37 (hg19) VCF-style: chr5-41842787-C-T.
Other names: c.682G>A, p.Val228Met (NM_001364299.2, NM_001364300.2); c.661G>A, p.Val221Met (NM_001364301.2, NM_001364302.2); c.103G>A, p.Val35Met (NM_001364303.2); short protein forms V221M, V228M, V35M.
Identifiers: ClinVar variation 8168 (VCV000008168.8), dbSNP rs121909303, ClinGen allele CA119342.

ClinVar aggregate classification (germline): Uncertain significance. Review status: criteria provided, single submitter (1 of 4 stars). 2 submissions from 2 submitters: Uncertain significance (1). 1 of the submissions does not count toward it. Last evaluated 2021-06-28.

Conditions:
Succinyl-CoA acetoacetate transferase deficiency (SCOTD). Also called: 3-Oxoacid CoA Transferase Deficiency; SUCCINYL-CoA:3-KETOACID CoA-TRANSFERASE DEFICIENCY; KETOACIDOSIS DUE TO SCOT DEFICIENCY; SCOT DEFICIENCY; Succinyl CoA:3-oxoacid CoA transferase deficiency. Identifiers: Orphanet 832, MedGen C0342792, MONDO:0009492, OMIM 245050.

Allele frequency attached by ClinVar (database versions not stated): ExAC 0.00002; gnomAD 0.00002; gnomAD exomes 0.00002 and 0.00011; TOPMed 0.00002.
gnomAD v4.1: 150 of 1,610,434 alleles (0.0093%); highest among the groups gnomAD compares: Non-Finnish European, 0.012%; no homozygotes.

Submissions (2):

Labcorp Genetics (formerly Invitae), Labcorp
Classification: Uncertain significance for Succinyl-CoA acetoacetate transferase deficiency. Last evaluated: 2021-06-28. Review status: criteria provided, single submitter. Criteria: Invitae Variant Classification Sherloc (09022015). Collection method: clinical testing. Allele origin: germline.
Comment: This sequence change replaces valine with methionine at codon 221 of the OXCT1 protein (p.Val221Met). The valine residue is weakly conserved and there is a small physicochemical difference between valine and methionine. This variant is present in population databases (rs121909303, ExAC 0.006%). This variant has been observed in individual(s) with succinyl-CoA:3-ketoacid CoA transferase (SCOT) deficiency (PMID: 10964512). ClinVar contains an entry for this variant (Variation ID: 8168). Algorithms developed to predict the effect of missense changes on protein structure and function are either unavailable or do not agree on the potential impact of this missense change (SIFT: "Deleterious"; PolyPhen-2: "Possibly Damaging"; Align-GVGD: "Class C0"). Experimental studies have shown that this variant affects OXCT1 protein function (PMID: 17706444, 21296660). In summary, the available evidence is currently insufficient to determine the role of this variant in disease. Therefore, it has been classified as a Variant of Uncertain Significance.

OMIM
Classification: Pathogenic for SUCCINYL-CoA:3-OXOACID-CoA TRANSFERASE DEFICIENCY. Last evaluated: 2000-09-01. Review status: no assertion criteria provided. Collection method: literature only. Allele origin: germline. Not counted in ClinVar's aggregate classification.

Literature cited by the submitters: PubMed 10964512 (cited by Labcorp Genetics (formerly Invitae), Labcorp and OMIM); PubMed 17706444 (cited by Labcorp Genetics (formerly Invitae), Labcorp); PubMed 21296660 (cited by Labcorp Genetics (formerly Invitae), Labcorp).